The following is an entry in ClinVar:

NM_004655.4(AXIN2):c.1215G>A (p.Glu405=)

Gene: AXIN2 (axin 2; minus strand). Cytogenetic location: 17q24.1.
Variant type: single nucleotide variant.
Coding change: c.1215G>A on transcript NM_004655.4 (MANE Select); coding-DNA position 1215, G replaced by A.
Protein change: p.Glu405=; no amino-acid change (glutamic acid 405 retained).
Molecular consequence: synonymous variant.
Genome position (GRCh38, 1-based): chr17:65,537,821, C>T on the plus strand (G>A on the coding strand, the complement: AXIN2 is on the minus strand). VCF-style: chr17-65537821-C-T. GRCh37 (hg19) VCF-style: chr17-63533939-C-T.
Other names: c.1215G>A, p.Glu405= (NM_001363813.1).
Identifiers: ClinVar variation 699048 (VCV000699048.18), dbSNP rs1053887162, ClinGen allele CA293098505.

ClinVar aggregate classification (germline): Conflicting classifications of pathogenicity. Review status: criteria provided, conflicting classifications (1 of 4 stars). 5 submissions from 5 submitters: Uncertain significance (2); Benign (1); Likely benign (2). Last evaluated 2026-01-26.

Conditions:
Hereditary cancer-predisposing syndrome. Also called: Hereditary Cancer Syndrome; Neoplastic Syndromes, Hereditary; Hereditary neoplastic syndrome; Tumor predisposition. Identifiers: Orphanet 140162, MedGen C0027672, MeSH D009386, MONDO:0015356.
Oligodontia-cancer predisposition syndrome. Also called: TOOTH AGENESIS-COLORECTAL CANCER SYNDROME. Identifiers: Orphanet 300576, MedGen C1837750, MONDO:0012075, OMIM 608615. Disease mechanism: loss of function.

Allele frequency attached by ClinVar (database versions not stated): gnomAD exomes below 0.00001 and 0.00001; TOPMed 0.00002.
gnomAD v4.1: 2 of 1,562,678 alleles (0.00013%); highest among the groups gnomAD compares: African/African-American, 0.0027%; no homozygotes.

Submissions (5):

Labcorp Genetics (formerly Invitae), Labcorp
Classification: Likely benign for Oligodontia-cancer predisposition syndrome. Last evaluated: 2026-01-26. Review status: criteria provided, single submitter. Criteria: Invitae Variant Classification Sherloc (09022015). Collection method: clinical testing. Allele origin: germline.

Quest Diagnostics Nichols Institute San Juan Capistrano
Classification: Uncertain significance. Last evaluated: 2025-09-18. Review status: criteria provided, single submitter. Criteria: Quest Diagnostics criteria. Collection method: clinical testing. Allele origin: unknown.
Comment: The AXIN2 c.1215G>A (p.Glu405=) synonymous variant has not been reported in individuals with AXIN2-related conditions in the published literature. The frequency of this variant in the general population (Genome Aggregation Database) is uninformative in the assessment of its pathogenicity. Analysis of this variant using software algorithms for the prediction of the effect of nucleotide changes on splicing yielded predictions that this variant does not affect AXIN2 mRNA splicing. Based on the available information, we are unable to determine the clinical significance of this variant.

Myriad Genetics, Inc.
Classification: Benign for Oligodontia-cancer predisposition syndrome. Last evaluated: 2024-07-02. Review status: criteria provided, single submitter. Criteria: Myriad Autosomal Dominant, Autosomal Recessive and X-Linked Classification Criteria (2023). Collection method: clinical testing. Allele origin: unknown.
Comment: This variant is considered benign. This variant is a silent/synonymous amino acid change and it is not expected to impact splicing.

GeneDx
Classification: Uncertain significance. Last evaluated: 2024-05-01. Review status: criteria provided, single submitter. Criteria: GeneDx Variant Classification Process June 2021. Collection method: clinical testing. Allele origin: germline. Affected: yes.
Comment: Not observed at significant frequency in large population cohorts (gnomAD); Has not been previously published as pathogenic or benign to our knowledge; In silico analysis indicates that this variant does not alter splicing

Ambry Genetics
Classification: Likely benign for Hereditary cancer-predisposing syndrome. Last evaluated: 2021-12-08. Review status: criteria provided, single submitter. Criteria: Ambry Variant Classification Scheme 2023. Collection method: clinical testing. Allele origin: germline.